The following is an entry in ClinVar:

NM_016032.4(ZDHHC9):c.20G>C (p.Arg7Thr)

Gene: ZDHHC9 (zDHHC palmitoyltransferase 9; minus strand). Cytogenetic location: Xq26.1.
Variant type: single nucleotide variant.
Coding change: c.20G>C on transcript NM_016032.4 (MANE Select); coding-DNA position 20, G replaced by C.
Protein change: p.Arg7Thr; replaces arginine 7 with threonine.
Molecular consequence: missense variant.
Genome position (GRCh38, 1-based): chrX:129,841,926, C>G on the plus strand (G>C on the coding strand, the complement: ZDHHC9 is on the minus strand). VCF-style: chrX-129841926-C-G. GRCh37 (hg19) VCF-style: chrX-128975902-C-G.
Other names: c.20G>C, p.Arg7Thr (NM_001008222.3); short protein forms R7T.
Identifiers: ClinVar variation 1043073 (VCV001043073.8), dbSNP rs1488428088, ClinGen allele CA414627579.
Genomic context (GRCh38, chrX:129,841,926, plus strand): 5'-CCATCACAGCAAAAGGTGTTCCTGCCTGGGAGTTTCTCCCATTTCCGTGTCACCTTCTTT[C>G]TCACCACCATCACAGACATGATTGGAATTCCTGCTCCAAAATGGGTTTTGCGATTACACG-3'
Protein context (NP_057116.2, residues 1-17): MSVMVV[Arg7Thr]KKVTRKWEKL

ClinVar aggregate classification (germline): Uncertain significance (1 of 4 stars; one submission).

Conditions:
Intellectual developmental disorder, X-linked, syndromic, Raymond type. Also called: Syndromic X-linked intellectual disability Raymond type. Identifiers: MedGen C3275406, MONDO:0010427, OMIM 300799.

Allele frequency attached by ClinVar (database versions not stated): TOPMed below 0.00001; gnomAD 0.00001.
gnomAD v4.1: 1 of 1,209,591 alleles (0.000083%); highest among the groups gnomAD compares: Non-Finnish European, 0.00011%; no homozygotes.

Submission:

Labcorp Genetics (formerly Invitae), Labcorp
Classification: Uncertain significance for Intellectual developmental disorder, X-linked, syndromic, Raymond type. Last evaluated: 2020-03-10. Review status: criteria provided, single submitter. Criteria: Invitae Variant Classification Sherloc (09022015). Collection method: clinical testing. Allele origin: germline.
Comment: This sequence change replaces arginine with threonine at codon 7 of the ZDHHC9 protein (p.Arg7Thr). The arginine residue is highly conserved and there is a moderate physicochemical difference between arginine and threonine. In summary, the available evidence is currently insufficient to determine the role of this variant in disease. Therefore, it has been classified as a Variant of Uncertain Significance. Algorithms developed to predict the effect of missense changes on protein structure and function (SIFT, PolyPhen-2, Align-GVGD) all suggest that this variant is likely to be tolerated, but these predictions have not been confirmed by published functional studies and their clinical significance is uncertain. This variant has not been reported in the literature in individuals with ZDHHC9-related conditions. This variant is not present in population databases (ExAC no frequency).